The following is an entry in ClinVar:

NM_014339.7(IL17RA):c.808C>G (p.Leu270Val)

Gene: IL17RA (interleukin 17 receptor A; plus strand). Cytogenetic location: 22q11.1.
Variant type: single nucleotide variant.
Coding change: c.808C>G on transcript NM_014339.7 (MANE Select); coding-DNA position 808, C replaced by G.
Protein change: p.Leu270Val; replaces leucine 270 with valine.
Molecular consequence: missense variant.
Genome position (GRCh38, 1-based): chr22:17,103,539, C>G. VCF-style: chr22-17103539-C-G. GRCh37 (hg19) VCF-style: chr22-17584429-C-G.
Other names: c.808C>G, p.Leu270Val (NM_001289905.2); short protein forms L270V.
Identifiers: ClinVar variation 1051256 (VCV001051256.10), dbSNP rs2123803804, ClinGen allele CA410213555.

ClinVar aggregate classification (germline): Uncertain significance (1 of 4 stars; one submission).

Conditions:
Immunodeficiency 51 (IMD51). Also called: CANDIDIASIS, FAMILIAL, 5. Identifiers: Orphanet 1334, MedGen C4310803, MONDO:0013500, OMIM 613953.

Allele frequency attached by ClinVar (database versions not stated): gnomAD exomes below 0.00001.
gnomAD v4.1: 1 of 1,613,886 alleles (0.000062%); highest among the groups gnomAD compares: Non-Finnish European, 0.000085%; no homozygotes.

Submission:

Labcorp Genetics (formerly Invitae), Labcorp
Classification: Uncertain significance for Immunodeficiency 51. Last evaluated: 2022-10-24. Review status: criteria provided, single submitter. Criteria: Invitae Variant Classification Sherloc (09022015). Collection method: clinical testing. Allele origin: germline.
Comment: Advanced modeling of protein sequence and biophysical properties (such as structural, functional, and spatial information, amino acid conservation, physicochemical variation, residue mobility, and thermodynamic stability) performed at Invitae indicates that this missense variant is not expected to disrupt IL17RA protein function. ClinVar contains an entry for this variant (Variation ID: 1051256). This variant has not been reported in the literature in individuals affected with IL17RA-related conditions. This variant is not present in population databases (gnomAD no frequency). This sequence change replaces leucine, which is neutral and non-polar, with valine, which is neutral and non-polar, at codon 270 of the IL17RA protein (p.Leu270Val). Algorithms developed to predict the effect of sequence changes on RNA splicing suggest that this variant may create or strengthen a splice site. In summary, the available evidence is currently insufficient to determine the role of this variant in disease. Therefore, it has been classified as a Variant of Uncertain Significance.